The following is an entry in ClinVar:

NM_012210.4(TRIM32):c.1313G>A (p.Cys438Tyr)

Genes: ASTN2 (astrotactin 2; minus strand), TRIM32 (tripartite motif containing 32; plus strand). Cytogenetic location: 9q33.1.
Variant type: single nucleotide variant.
Coding change: c.1313G>A on transcript NM_012210.4 (MANE Select); coding-DNA position 1313, G replaced by A.
Protein change: p.Cys438Tyr; replaces cysteine 438 with tyrosine.
Molecular consequence: missense variant. On other transcripts: intron variant (3).
Genome position (GRCh38, 1-based): chr9:116,699,055, G>A. VCF-style: chr9-116699055-G-A. GRCh37 (hg19) VCF-style: chr9-119461334-G-A.
Other names: c.1313G>A, p.Cys438Tyr (NM_001099679.2, NM_001379048.1, NM_001379049.1 and 1 more transcripts); c.2653+26716C>T (NM_014010.5); c.2794+26716C>T (NM_001365069.1); c.2806+26716C>T (NM_001365068.1); short protein forms C438Y.
Identifiers: ClinVar variation 1037792 (VCV001037792.7), dbSNP rs1861038374, ClinGen allele CA374651412.
Genomic context (GRCh38, chr9:116,699,055, plus strand): 5'-TGCTAAGCTTCCTTGGGGCAGATCTACCCAACCTCACTCCTCTCTCAGTGGCAATGAACT[G>A]CCAGGGGCTGATTGGTGTGACTGACAGCTATGATAACTCCCTCAAGGTATATACCTTGGA-3'
Protein context (NP_036342.2, residues 428-448): NLTPLSVAMN[Cys438Tyr]QGLIGVTDSY

ClinVar aggregate classification (germline): Uncertain significance (1 of 4 stars; one submission).

Conditions:
Bardet-Biedl syndrome (BBS). Identifiers: Orphanet 110, MedGen C0752166, MONDO:0015229.

Submission:

Labcorp Genetics (formerly Invitae), Labcorp
Classification: Uncertain significance for Bardet-Biedl syndrome. Last evaluated: 2022-02-03. Review status: criteria provided, single submitter. Criteria: Invitae Variant Classification Sherloc (09022015). Collection method: clinical testing. Allele origin: germline.
Comment: In summary, the available evidence is currently insufficient to determine the role of this variant in disease. Therefore, it has been classified as a Variant of Uncertain Significance. Algorithms developed to predict the effect of missense changes on protein structure and function are either unavailable or do not agree on the potential impact of this missense change (SIFT: "Deleterious"; PolyPhen-2: "Benign"; Align-GVGD: "Class C0"). ClinVar contains an entry for this variant (Variation ID: 1037792). This variant has not been reported in the literature in individuals affected with TRIM32-related conditions. This variant is not present in population databases (gnomAD no frequency). This sequence change replaces cysteine, which is neutral and slightly polar, with tyrosine, which is neutral and polar, at codon 438 of the TRIM32 protein (p.Cys438Tyr).